The following is an entry in ClinVar:

ClinVar aggregate classification (germline): Likely benign (0 of 4 stars; one submission).

Conditions:
ADH7-related disorder. Also called: ADH7-related condition.

Allele frequency attached by ClinVar (database versions not stated): TOPMed 0.00001.
gnomAD v4.1: 2 of 1,613,430 alleles (0.00012%); highest among the groups gnomAD compares: Admixed American, 0.0017%; no homozygotes.

Submission:

PreventionGenetics, part of Exact Sciences
Classification: Likely benign for ADH7-related condition. Last evaluated: 2021-03-11. Review status: no assertion criteria provided. Collection method: clinical testing. Allele origin: germline.
Comment: This variant is classified as likely benign based on ACMG/AMP sequence variant interpretation guidelines (Richards et al. 2015 PMID: 25741868, with internal and published modifications).

NM_000673.7(ADH7):c.-4C>T

Gene: ADH7 (alcohol dehydrogenase 7 (class IV), mu or sigma polypeptide; minus strand). Cytogenetic location: 4q23.
Variant type: single nucleotide variant.
Coding change: c.-4C>T on transcript NM_000673.7 (MANE Select); 4 bases upstream of the start codon, C replaced by T.
Molecular consequence: 5 prime UTR variant.
Genome position (GRCh38, 1-based): chr4:99,435,237, G>A on the plus strand (C>T on the coding strand, the complement: ADH7 is on the minus strand). VCF-style: chr4-99435237-G-A. GRCh37 (hg19) VCF-style: chr4-100356394-G-A.
Identifiers: ClinVar variation 3030227 (VCV003030227.2), dbSNP rs1247173392, ClinGen allele CA553109585.